The following is an entry in ClinVar:

ClinVar aggregate classification (germline): Likely pathogenic (1 of 4 stars; one submission).

Conditions:
Intellectual developmental disorder with or without epilepsy or cerebellar ataxia. Identifiers: MedGen C4748041, MONDO:0060745, OMIM 618060.

Submission:

MVZ Medizinische Genetik Mainz
Classification: Likely pathogenic for Intellectual developmental disorder with or without epilepsy or cerebellar ataxia. Last evaluated: 2025-09-10. Review status: criteria provided, single submitter. Criteria: UK Practice Guidelines For Variant Classification V4 01 2020. Collection method: clinical testing. Allele origin: germline. Inheritance: Autosomal dominant inheritance. Affected: yes. Observed: 1 variant allele.
Comment: ACMG Criteria: PVS1,PM2_SUP

NM_134261.3(RORA):c.1075+2del

Genes: RORA (RAR related orphan receptor A; minus strand), RORA-AS1 (RORA antisense RNA 1; plus strand). Cytogenetic location: 15q22.2.
Variant type: Deletion.
Coding change: c.1075+2del on transcript NM_134261.3 (MANE Select); the canonical splice donor site of the intron after coding-DNA position 1075, one base deleted (T; older notation c.1075+2delT).
Molecular consequence: splice donor variant.
Genome position (GRCh38, 1-based): chr15:60,503,533, A deleted on the plus strand (T on the coding strand, the reverse complement: RORA is on the minus strand). VCF-style (leftmost placement, unchanged base first): chr15-60503532-TA-T. GRCh37 (hg19) VCF-style: chr15-60795731-TA-T.
Other names: c.1174+2del (NM_134260.3); c.1150+2del (NM_002943.4); c.910+2del (NM_134262.3).
Identifiers: ClinVar variation 4277261 (VCV004277261.1).